The following is an entry in ClinVar:

ClinVar aggregate classification (germline): Likely benign (1 of 4 stars; one submission).

Allele frequency attached by ClinVar (database versions not stated): ExAC 0.00002; ESP Exome Variant Server 0.00008.

Submission:

CeGaT Center for Human Genetics Tuebingen
Classification: Likely benign. Last evaluated: 2024-04-01. Review status: criteria provided, single submitter. Criteria: CeGaT Center For Human Genetics Tuebingen Variant Classification Criteria Version 2. Collection method: clinical testing. Allele origin: germline. Affected: yes. Observed: 1 variant allele.
Comment: CNTNAP3: BP4, BP7

NM_033655.5(CNTNAP3):c.1305G>A (p.Pro435=)

Gene: CNTNAP3 (contactin associated protein family member 3). Cytogenetic location: 9p12.
Variant type: single nucleotide variant.
Coding change: c.1305G>A on transcript NM_033655.5 (MANE Select); coding-DNA position 1305, G replaced by A.
Protein change: p.Pro435=; no amino-acid change (proline 435 retained).
Molecular consequence: synonymous variant.
Genome position (GRCh38, 1-based): chr9:39,171,397, C>T on the plus strand (G>A on the coding strand, the complement: CNTNAP3 is on the minus strand). VCF-style: chr9-39171397-C-T. GRCh37 (hg19) VCF-style: chr9-39171394-C-T.
Other names: c.1305G>A, p.Pro435= (NM_001393379.1).
Identifiers: ClinVar variation 3234420 (VCV003234420.20), dbSNP rs370306091, ClinGen allele CA192310864.